The following is an entry in ClinVar:

NM_014284.3(NCDN):c.1098C>T (p.Ser366=)

Gene: NCDN (neurochondrin; plus strand). Cytogenetic location: 1p34.3.
Variant type: single nucleotide variant.
Coding change: c.1098C>T on transcript NM_014284.3 (MANE Select); coding-DNA position 1098, C replaced by T.
Protein change: p.Ser366=; no amino-acid change (serine 366 retained).
Molecular consequence: synonymous variant.
Genome position (GRCh38, 1-based): chr1:35,561,249, C>T. VCF-style: chr1-35561249-C-T. GRCh37 (hg19) VCF-style: chr1-36026850-C-T.
Other names: c.1098C>T, p.Ser366= (NM_001014839.2); c.1047C>T, p.Ser349= (NM_001014841.2).
Identifiers: ClinVar variation 3025892 (VCV003025892.22), dbSNP rs753848215, ClinGen allele CA760215.

ClinVar aggregate classification (germline): Likely benign (1 of 4 stars; one submission).

Allele frequency attached by ClinVar (database versions not stated): TOPMed 0.00002; gnomAD 0.00003; ExAC 0.00007.
gnomAD v4.1: 50 of 1,609,746 alleles (0.0031%); highest among the groups gnomAD compares: Non-Finnish European, 0.0039%; no homozygotes.

Submission:

CeGaT Center for Human Genetics Tuebingen
Classification: Likely benign. Last evaluated: 2024-02-01. Review status: criteria provided, single submitter. Criteria: CeGaT Center For Human Genetics Tuebingen Variant Classification Criteria Version 2. Collection method: clinical testing. Allele origin: germline. Affected: yes. Observed: 1 variant allele.
Comment: NCDN: BP4, BP7